The following is an entry in ClinVar:

ClinVar aggregate classification (germline): Benign/Likely benign. Review status: criteria provided, multiple submitters, no conflicts (2 of 4 stars). 4 submissions from 4 submitters: Benign (2); Likely benign (2). Last evaluated 2026-04-01.

Conditions:
Severe combined immunodeficiency due to DNA-PKcs deficiency. Also called: Immunodeficiency 26 with or without neurologic abnormalities; IMMUNODEFICIENCY 26 WITH NEUROLOGIC ABNORMALITIES. Identifiers: Orphanet 317425, MedGen C4014833, MONDO:0014423, OMIM 615966.

Allele frequency attached by ClinVar (database versions not stated): gnomAD exomes 0.00075; ExAC 0.00092; 1000 Genomes Project 30x 0.00250; 1000 Genomes Project 0.00260; gnomAD 0.00354 and 0.00386; TOPMed 0.00373; ESP Exome Variant Server 0.00375.
gnomAD v4.1: 979 of 1,590,398 alleles (0.062%); highest among the groups gnomAD compares: African/African-American, 1.2%; 5 homozygotes.

Submissions (4):

Women's Health and Genetics/Laboratory Corporation of America, LabCorp
Classification: Benign. Last evaluated: 2026-04-01. Review status: criteria provided, single submitter. Criteria: LabCorp Variant Classification Summary - May 2015. Collection method: clinical testing. Allele origin: germline.
Comment: Variant summary: PRKDC c.1893-12T>G alters a nucleotide located at a position not widely known to affect splicing. Consensus agreement among computation tools predict no significant impact on normal splicing. However, these predictions have yet to be confirmed by functional studies. The variant allele was found at a frequency of 0.00075 in 228686 control chromosomes, predominantly at a frequency of 0.01 within the African or African-American subpopulation in the gnomAD database. The observed variant frequency within African or African-American control individuals in the gnomAD database exceeds the estimated maximal expected allele frequency for disease-causing variants in PRKDC. To our knowledge, no occurrence of c.1893-12T>G in individuals affected with PRKDC-related conditions and no experimental evidence demonstrating its impact on protein function have been reported. ClinVar contains an entry for this variant (Variation ID: 1169115). Based on the evidence outlined above, the variant was classified as benign.

Labcorp Genetics (formerly Invitae), Labcorp
Classification: Benign for Severe combined immunodeficiency due to DNA-PKcs deficiency. Last evaluated: 2026-01-28. Review status: criteria provided, single submitter. Criteria: Invitae Variant Classification Sherloc (09022015). Collection method: clinical testing. Allele origin: germline.

Blueprint Genetics
Classification: Likely benign. Last evaluated: 2024-11-26. Review status: criteria provided, single submitter. Criteria: ACMG Guidelines, 2015. Collection method: clinical testing. Allele origin: germline.

GeneDx
Classification: Likely benign. Last evaluated: 2019-04-20. Review status: criteria provided, single submitter. Criteria: GeneDx Variant Classification Process June 2021. Collection method: clinical testing. Allele origin: germline. Affected: yes.

NM_006904.7(PRKDC):c.1893-12T>G

Gene: PRKDC (protein kinase, DNA-activated, catalytic subunit; minus strand). Cytogenetic location: 8q11.21.
Variant type: single nucleotide variant.
Coding change: c.1893-12T>G on transcript NM_006904.7 (MANE Select); 12 bases into the intron before coding-DNA position 1893, T replaced by G.
Molecular consequence: intron variant.
Genome position (GRCh38, 1-based): chr8:47,930,024, A>C on the plus strand (T>G on the coding strand, the complement: PRKDC is on the minus strand). VCF-style: chr8-47930024-A-C. GRCh37 (hg19) VCF-style: chr8-48842584-A-C.
Other names: c.1893-12T>G (NM_001081640.2).
Identifiers: ClinVar variation 1169115 (VCV001169115.14), dbSNP rs56188476, ClinGen allele CA4741601.
Genomic context (GRCh38, chr8:47,930,024, plus strand): 5'-GTACACCCATGGTTCAAAAAATTCTGCTTGTTTCTCAGGGAGAATCTCTCTGTAAAAACA[A>C]ATTAGAAATTGAAGGTAGAAATTTGTATCATTCTGATCTTAAAATTGTAAGGGACATAAT-3'